The following is an entry in ClinVar:

NM_005343.4(HRAS):c.34G>A (p.Gly12Ser)

Genes: HRAS (HRas proto-oncogene, GTPase; minus strand), LRRC56 (leucine rich repeat containing 56; plus strand). Cytogenetic location: 11p15.5.
Variant type: single nucleotide variant.
Coding change: c.34G>A on transcript NM_005343.4 (MANE Select); coding-DNA position 34, G replaced by A.
Protein change: p.Gly12Ser; replaces glycine 12 with serine.
Molecular consequence: missense variant. On other transcripts: 5 prime UTR variant (1).
Genome position (GRCh38, 1-based): chr11:534,289, C>T on the plus strand (G>A on the coding strand, the complement: HRAS is on the minus strand). VCF-style: chr11-534289-C-T. GRCh37 (hg19) VCF-style: chr11-534289-C-T.
Other names: p.G12S:GGC>AGC; NM_005343.3(HRAS):c.34G>A; c.34G>A, p.Gly12Ser (NM_001130442.3, NM_176795.5); c.-286G>A (NM_001318054.2); short protein forms G12S.
Identifiers: ClinVar variation 12602 (VCV000012602.76), dbSNP rs104894229, ClinGen allele CA122549.
Genomic context (GRCh38, chr11:534,289, plus strand): 5'-ATTCGTCCACAAAATGGTTCTGGATCAGCTGGATGGTCAGCGCACTCTTGCCCACACCGC[C>T]GGCGCCCACCACCACCAGCTTATATTCCGTCATCGCTCCTCAGGGGCCTGCGGCCCGGGG-3'
Protein context (NP_005334.1, residues 2-22): TEYKLVVVGA[Gly12Ser]GVGKSALTIQ

ClinVar aggregate classification (germline): Pathogenic. Review status: reviewed by expert panel (3 of 4 stars). 49 submissions from 44 submitters: Pathogenic (1). 48 of the submissions do not count toward it. Last evaluated 2017-04-03.
ClinVar aggregate classification (somatic clinical impact): Tier I - Strong (1 of 4 stars; one submission).

Conditions:
HRAS-related disorder. Also called: HRAS-related condition.
HRAS-related disorders.
Fetal anomalies with a likely genetic cause.
Noonan syndrome and Noonan-related syndrome. Identifiers: Orphanet 98733, MedGen C5681679, MONDO:0020297.
Cardiovascular phenotype. Identifiers: MedGen CN230736.
Lip and oral cavity carcinoma. Identifiers: MedGen C0220641, MONDO:0023644.
Wooly hair nevus. Also called: NEVUS, WOOLLY HAIR, SOMATIC; Woolly hair nevus. Identifiers: Orphanet 79414, MedGen C0343114, MONDO:0019311.
Rhabdomyosarcoma. Also called: Rhabdomyosarcoma (disease). Identifiers: Orphanet 780, MedGen C0035412, MeSH D012208, MONDO:0005212, HP:0002859.
RASopathy. Also called: rasopathies; Noonan spectrum disorder. Identifiers: Orphanet 536391, MedGen C5555857, MONDO:0021060.
EPIDERMAL NEVUS WITH UROTHELIAL CANCER, SOMATIC. Identifiers: MedGen C3277679.
Nevus sebaceous. Also called: NEVUS SEBACEOUS, SOMATIC. Identifiers: MedGen C3854181, HP:0010815.
Epidermal nevus. Also called: NEVUS, KERATINOCYTIC, NONEPIDERMOLYTIC; Nevus, epidermal, somatic. Identifiers: Orphanet 79414, MedGen C0334082, MONDO:0008093, OMIM 162900, HP:0010816.
Noonan syndrome 1 (NS1). Also called: TURNER PHENOTYPE WITH NORMAL KARYOTYPE; PTPN11-Related Noonan Syndrome; FEMALE PSEUDO-TURNER SYNDROME. Identifiers: Orphanet 648, MedGen C4551602, MONDO:0008104, OMIM 163950. Disease mechanism: gain of function.
Costello syndrome (CSTLO). Also called: HRAS-Related Costello Syndrome; FCS SYNDROME; FACIOCUTANEOSKELETAL SYNDROME. Identifiers: Orphanet 3071, MedGen C0587248, MONDO:0009026, OMIM 218040.
Myopathy, congenital, with excess of muscle spindles. Identifiers: MedGen C1968782, MONDO:0800299.
Embryonal rhabdomyosarcoma (ERMS). Also called: Botryoid rhabdomyosarcoma (type of ERMS); Spindle cell rhabdomyosarcomas (type of ERMS). Identifiers: Orphanet 99757, MedGen C0206656, MONDO:0009993, HP:0006743.

Submissions 1 to 6 of 50:

ClinGen RASopathy Variant Curation Expert Panel
Classification: Pathogenic for Costello syndrome. Last evaluated: 2017-04-03. Review status: reviewed by expert panel. Criteria: ClinGen RASopathy ACMG Specifications v1. Collection method: curation. Allele origin: germline. Inheritance: Autosomal dominant inheritance.
Comment: The c.34G>A (p.Gly12Ser) variant in HRAS has been reported as a confirmed de novo occurrence in at least 2 patients with clinical features of a RASopathy (PS2_VeryStrong; PMID 16170316, 16835863, 16443854, 16835863, 16881968, 17054105, 19669404). The p.Gly12Ser variant has been identified in >5 independent occurrences in patients with clinical features of a RASopathy (PS4; PMID: 20660566, 16372351, 16329078, 16969868, 18039947, 19371735, 19206176, 16835863). In vitro functional studies provide some evidence that the p.Gly12Ser variant may impact protein function (PS3; PMID: 17412879). Computational prediction tools and conservation analysis suggest that the p.Gly12Ser variant may impact the protein (PP3). Furthermore, the variant is in a location that has been defined by the ClinGen RASopathy Expert Panel to be a mutational hotspot or domain of HRAS (PM1; PMID 29493581). This variant was absent from large population studies (PM2; ExAC). The variant is located in the HRAS gene, which has been defined by the ClinGen RASopathy Expert Panel as a gene with a low rate of benign missense variants and pathogenic missense variants are common (PP2; PMID: 29493581). In summary, this variant meets criteria to be classified as pathogenic for RASopathies in an autosomal dominant manner. Rasopathy-specific ACMG/AMP criteria applied (PMID:29493581): PS2_VeryStrong, PS4, PS3, PM1, PM2, PP2, PP3.

Genetics Laboratory, Great Ormond Street Hospital NHS Foundation Trust, North Thames Genomic Laboratory Hub
Classification: Pathogenic for Fetal anomalies with a likely genetic cause. Last evaluated: 2026-03-02. Review status: criteria provided, single submitter. Criteria: ACGS Best Practice Guidelines for Variant Classification in Rare Disease 2024 v1.2. Collection method: clinical testing. Allele origin: germline. Affected: yes. Not counted in ClinVar's aggregate classification.
Comment: PS4_moderate, PM2_moderate, PS3_moderate, PM1_moderate, PS2_very-strong

The Central Laboratory of Birth Defects Prevention and Control, The Affiliated Women and Children's Hospital of Ningbo University
Classification: Pathogenic for Costello syndrome. Last evaluated: 2025-11-28. Review status: criteria provided, single submitter. Criteria: ACMG Guidelines, 2015. Collection method: clinical testing. Allele origin: de novo. Affected: yes. Not counted in ClinVar's aggregate classification.
Comment: Computational prediction tools suggest that the c.34G>A variant may impact the protein function. Furthermore, the variant is in a location that has been defined by the ClinGen RASopathy Expert Panel to be a mutational hotspot or domain of HRAS (PMID 29493581). Not observed at significant frequency in large population cohorts (gnomAD). This variant has been reported in ClinVar as pathogenic (Accession: VCV000012602.73).Based on the available evidence, this variant is classified as pathogenic.

PreventionGenetics, part of Exact Sciences
Classification: Pathogenic for HRAS-related condition. Last evaluated: 2025-11-07. Review status: criteria provided, single submitter. Criteria: ACMG Guidelines, 2015. Collection method: clinical testing. Allele origin: germline. Not counted in ClinVar's aggregate classification.
Comment: The HRAS c.34G>A variant is predicted to result in the amino acid substitution p.Gly12Ser. This variant is one of the most frequent pathogenic variants in HRAS and has been documented as a de novo event in multiple unrelated individuals with Costello Syndrome (for examples see - Aoki et. al. 2005. PubMed ID: 17177115; Gripp et al. 2011. PubMed ID: 21834037). Additionally, different amino acid substitutions (p.Gly12Arg, p.Gly12Cys, p.Gly12Asp, p.Gly12Ala, p.Gly12Val) affecting the same amino acid have been reported as pathogenic (Human Gene Mutation Database). Functional studies demonstrate increased GTP-bound HRAS (active state) in cells transfected with the p.Gly12Ser variant, consistent with a gain-of-function mechanism that results in the hyperactivation of the RAS pathway (Niihori et al. 2011. PubMed ID: 21850009). This variant has not been reported in a large population database (gnomAD), indicating this variant is rare. In ClinVar, this variant has been interpreted by multiple labs and the ClinGen RASopathy Variant Curation Expert Panel as pathogenic (ClinVar ID: 12602). This variant is interpreted as pathogenic.

Labcorp Genetics (formerly Invitae), Labcorp
Classification: Pathogenic for Costello syndrome. Last evaluated: 2025-10-16. Review status: criteria provided, single submitter. Criteria: Invitae Variant Classification Sherloc (09022015). Collection method: clinical testing. Allele origin: germline. Not counted in ClinVar's aggregate classification.
Comment: This sequence change replaces glycine, which is neutral and non-polar, with serine, which is neutral and polar, at codon 12 of the HRAS protein (p.Gly12Ser). This variant is not present in population databases (gnomAD no frequency). This missense change has been observed in individual(s) with Costello syndrome (PMID: 16170316, 20979192, 21834037, 21850009, 22317973, 23751039). In at least one individual the variant was observed to be de novo. ClinVar contains an entry for this variant (Variation ID: 12602). Invitae Evidence Modeling incorporating data from in vitro experimental studies (internal data) indicates that this missense variant is not expected to disrupt HRAS function with a negative predictive value of 95%. For these reasons, this variant has been classified as Pathogenic.

3billion
Classification: Pathogenic for Costello syndrome. Last evaluated: 2025-07-09. Review status: criteria provided, single submitter. Criteria: ACMG Guidelines, 2015. Collection method: clinical testing. Allele origin: germline. Affected: yes. Not counted in ClinVar's aggregate classification.
Comment: The variant is not observed in the gnomAD v4.1.0 dataset. Predicted Consequence/Location: The variant is located in a mutational hot spot and/or well-established functional domain in which established pathogenic variants have been reported (PMID: 29493581). Missense variant. Missense changes are a common disease-causing mechanism. Functional studies provide strong evidence of the variant having a damaging effect on the gene or gene product (PMID: 17412879). In silico tool predictions suggest damaging effect of the variant on gene or gene product [REVEL: 0.69 (>=0.6, sensitivity 0.68 and specificity 0.92); 3Cnet: 0.99 (> 0.75, sensitivity 0.96 and precision 0.92)]. The same nucleotide change resulting in the same amino acid change has been previously reported as pathogenic/likely pathogenic with strong evidence (ClinVar ID: VCV000012602 /PMID: 16170316 /3billion dataset). The variant has been previously reported as de novo in at least two similarly affected unrelated individuals (PMID: 16170316, 16443854, 16835863, 16881968, 17054105, 19669404). The variant has been observed in multiple (>3) similarly affected unrelated individuals (PMID: 16329078, 16372351, 16835863, 16969868, 18039947, 19206176, 19371735, 20660566). The variant has been previously reported as assumed (i.e. paternity and maternity not confirmed) de novo in at least one similarly affected unrelated individual (3billion dataset). Different missense changes at the same codon (p.Gly12Ala, p.Gly12Arg, p.Gly12Asp, p.Gly12Cys, p.Gly12Glu, p.Gly12Val) have been reported as pathogenic/likely pathogenic with strong evidence (ClinVar ID: VCV000012600, VCV000012603, VCV000012612, VCV000012613, VCV000040430, VCV000163690, VCV000180854, VCV000279921, VCV000375961, VCV001209208 /PMID: 16170316, 16443854, 18039947, 22495892, 27195699, 28489335 /3billion dataset). Therefore, this variant is classified as Pathogenic according to the recommendation of ACMG/AMP guideline.